The following is an entry in ClinVar:

NM_001278116.2(L1CAM):c.2758C>T (p.His920Tyr)

Gene: L1CAM (L1 cell adhesion molecule; minus strand). Cytogenetic location: Xq28.
Variant type: single nucleotide variant.
Coding change: c.2758C>T on transcript NM_001278116.2 (MANE Select); coding-DNA position 2758, C replaced by T.
Protein change: p.His920Tyr; replaces histidine 920 with tyrosine.
Molecular consequence: missense variant.
Genome position (GRCh38, 1-based): chrX:153,865,202, G>A on the plus strand (C>T on the coding strand, the complement: L1CAM is on the minus strand). VCF-style: chrX-153865202-G-A. GRCh37 (hg19) VCF-style: chrX-153130657-G-A.
Other names: c.2758C>T, p.His920Tyr (NM_000425.5, NM_024003.3); c.2743C>T, p.His915Tyr (NM_001143963.2); short protein forms H915Y, H920Y.
Identifiers: ClinVar variation 1304185 (VCV001304185.5), dbSNP rs2064701743, ClinGen allele CA415115270.

ClinVar aggregate classification (germline): Uncertain significance. Review status: criteria provided, multiple submitters, no conflicts (2 of 4 stars). 2 submissions from 2 submitters: Uncertain significance (2). Last evaluated 2025-01-06.

Conditions:
Spastic paraplegia. Identifiers: MedGen C0037772, HP:0001258.

Allele frequency attached by ClinVar (database versions not stated): gnomAD 0.00001; gnomAD exomes 0.00001; TOPMed 0.00001.
gnomAD v4.1: 8 of 1,208,161 alleles (0.00066%); highest among the groups gnomAD compares: Non-Finnish European, 0.00089%; no homozygotes.

Submissions (2):

Labcorp Genetics (formerly Invitae), Labcorp
Classification: Uncertain significance for Spastic paraplegia. Last evaluated: 2025-01-06. Review status: criteria provided, single submitter. Criteria: Invitae Variant Classification Sherloc (09022015). Collection method: clinical testing. Allele origin: germline.
Comment: This sequence change replaces histidine, which is basic and polar, with tyrosine, which is neutral and polar, at codon 920 of the L1CAM protein (p.His920Tyr). This variant is not present in population databases (gnomAD no frequency). This variant has not been reported in the literature in individuals affected with L1CAM-related conditions. ClinVar contains an entry for this variant (Variation ID: 1304185). Invitae Evidence Modeling of protein sequence and biophysical properties (such as structural, functional, and spatial information, amino acid conservation, physicochemical variation, residue mobility, and thermodynamic stability) indicates that this missense variant is not expected to disrupt L1CAM protein function with a negative predictive value of 95%. In summary, the available evidence is currently insufficient to determine the role of this variant in disease. Therefore, it has been classified as a Variant of Uncertain Significance.

GeneDx
Classification: Uncertain significance. Last evaluated: 2019-11-05. Review status: criteria provided, single submitter. Criteria: GeneDx Variant Classification Process June 2021. Collection method: clinical testing. Allele origin: germline. Affected: yes.
Comment: Not observed in large population cohorts (Lek et al., 2016); In silico analysis, which includes protein predictors and evolutionary conservation, supports that this variant does not alter protein structure/function; Has not been previously published as pathogenic or benign to our knowledge